The following is an entry in ClinVar:

ClinVar aggregate classification (germline): Uncertain significance. Review status: criteria provided, multiple submitters, no conflicts (2 of 4 stars). 3 submissions from 3 submitters: Uncertain significance (3). Last evaluated 2023-08-15.

Conditions:
Cardiomyopathy (CMYO). Also called: Cardiomyopathies. Identifiers: Orphanet 167848, MedGen C0878544, MONDO:0004994, HP:0001638. Inheritance: Various modes of inheritance.
Lethal congenital glycogen storage disease of heart. Also called: PHOSPHORYLASE KINASE DEFICIENCY OF HEART; GLYCOGEN STORAGE DISEASE OF HEART. Identifiers: Orphanet 439854, MedGen C1849813, MONDO:0009867, OMIM 261740.
Hypertrophic cardiomyopathy. Also called: HYPERTROPHIC MYOCARDIOPATHY. Identifiers: Orphanet 217569, MedGen C0007194, MeSH D002312, MONDO:0005045, HP:0001639.

Submissions (3):

All of Us Research Program, National Institutes of Health
Classification: Uncertain significance for Hypertrophic cardiomyopathy. Last evaluated: 2023-08-15. Review status: criteria provided, single submitter. Criteria: ACMG Guidelines, 2015. Collection method: clinical testing. Allele origin: germline. Inheritance: Autosomal dominant inheritance. Observed: 1 variant allele, 1 heterozygote.
Comment: This variant causes an in-frame duplication of one amino acid at exon 4 of the PRKAG2 protein.To our knowledge, functional studies have not been reported for this variant. This variant has not been reported in individuals affected with PRKAG2-related disorders in the literature. This variant has not been identified in the general population by the Genome Aggregation Database (gnomAD). The available evidence is insufficient to determine the role of this variant in disease conclusively. Therefore, this variant is classified as a Variant of Uncertain Significance.

This study involves interpretation of variants in research participants for the purpose of population health screening. Participant phenotype was not available at the time of variant classification. Additional details can be found in publication PMID: 35346344, PMCID: PMC8962531

Color Diagnostics, LLC DBA Color Health
Classification: Uncertain significance for Cardiomyopathy. Last evaluated: 2023-07-27. Review status: criteria provided, single submitter. Criteria: ACMG Guidelines, 2015. Collection method: clinical testing. Allele origin: germline.
Comment: This variant causes an in-frame duplication of one amino acid at exon 4 of the PRKAG2 protein.To our knowledge, functional studies have not been reported for this variant. This variant has not been reported in individuals affected with PRKAG2-related disorders in the literature. This variant has not been identified in the general population by the Genome Aggregation Database (gnomAD). The available evidence is insufficient to determine the role of this variant in disease conclusively. Therefore, this variant is classified as a Variant of Uncertain Significance.

Labcorp Genetics (formerly Invitae), Labcorp
Classification: Uncertain significance for Lethal congenital glycogen storage disease of heart. Last evaluated: 2023-05-05. Review status: criteria provided, single submitter. Criteria: Invitae Variant Classification Sherloc (09022015). Collection method: clinical testing. Allele origin: germline.
Comment: This variant, c.469_471dup, results in the insertion of 1 amino acid(s) of the PRKAG2 protein (p.Ser157dup), but otherwise preserves the integrity of the reading frame. This variant is not present in population databases (gnomAD no frequency). This variant has not been reported in the literature in individuals affected with PRKAG2-related conditions. ClinVar contains an entry for this variant (Variation ID: 1332540). In summary, the available evidence is currently insufficient to determine the role of this variant in disease. Therefore, it has been classified as a Variant of Uncertain Significance.

NM_016203.4(PRKAG2):c.469_471dup (p.Ser157dup)

Gene: PRKAG2 (protein kinase AMP-activated non-catalytic subunit gamma 2; minus strand). Cytogenetic location: 7q36.1.
Variant type: Duplication.
Coding change: c.469_471dup on transcript NM_016203.4 (MANE Select); coding-DNA positions 469 to 471, 3 bases duplicated (TCC; older notation c.469_471dupTCC).
Protein change: p.Ser157dup; duplicates serine 157.
Molecular consequence: inframe insertion.
Genome position (GRCh38, 1-based): chr7:151,675,633-151,675,635, GGA duplicated on the plus strand (TCC on the coding strand, the reverse complement: PRKAG2 is on the minus strand); duplicating any 3 consecutive bases within chr7:151,675,633-151,675,637 gives the same sequence; the c. name uses the placement nearest the transcript's 3' end. VCF-style (leftmost placement, unchanged base first): chr7-151675632-C-CGGA. GRCh37 (hg19) VCF-style: chr7-151372718-C-CGGA.
Other names: c.337_339dup, p.Ser113dup (NM_001040633.2); c.97_99dup, p.Ser33dup (NM_001304527.2, NM_001363698.2).
Identifiers: ClinVar variation 1332540 (VCV001332540.8), dbSNP rs1832797348, ClinGen allele CA1752776738.